The following is an entry in ClinVar:

ClinVar aggregate classification (germline): Likely benign. Review status: criteria provided, multiple submitters, no conflicts (2 of 4 stars). 3 submissions from 3 submitters: Likely benign (3). Last evaluated 2023-05-01.

Allele frequency attached by ClinVar (database versions not stated): 1000 Genomes Project 30x 0.00141; 1000 Genomes Project 0.00180; TOPMed 0.00225; gnomAD 0.00286 and 0.00303; gnomAD exomes 0.00345; ExAC 0.00396.

Submissions (3):

CeGaT Center for Human Genetics Tuebingen
Classification: Likely benign. Last evaluated: 2023-05-01. Review status: criteria provided, single submitter. Criteria: CeGaT Center For Human Genetics Tuebingen Variant Classification Criteria Version 2. Collection method: clinical testing. Allele origin: germline. Affected: yes. Observed: 11 variant alleles.
Comment: ACTG1: BS1

GeneDx
Classification: Likely benign. Last evaluated: 2019-08-27. Review status: criteria provided, single submitter. Criteria: GeneDx Variant Classification Process June 2021. Collection method: clinical testing. Allele origin: germline. Affected: yes.

Breakthrough Genomics
Classification: Likely benign. Review status: criteria provided, single submitter. Criteria: ACMG Guidelines, 2015. Collection method: not provided. Allele origin: germline. Inheritance: Autosomal dominant inheritance. Affected: yes.

NM_001614.5(ACTG1):c.363+127C>T

Gene: ACTG1 (actin gamma 1; minus strand). Cytogenetic location: 17q25.3.
Variant type: single nucleotide variant.
Coding change: c.363+127C>T on transcript NM_001614.5 (MANE Select); 127 bases into the intron after coding-DNA position 363, C replaced by T.
Molecular consequence: intron variant.
Genome position (GRCh38, 1-based): chr17:81,511,776, G>A on the plus strand (C>T on the coding strand, the complement: ACTG1 is on the minus strand). VCF-style: chr17-81511776-G-A. GRCh37 (hg19) VCF-style: chr17-79478802-G-A.
Other names: c.363+127C>T (NM_001199954.3).
Identifiers: ClinVar variation 1204935 (VCV001204935.33), dbSNP rs143384856, ClinGen allele CA8836168.